The following is an entry in ClinVar:

ClinVar aggregate classification (germline): Uncertain significance (1 of 4 stars; one submission).

Conditions:
Tuberous sclerosis 1 (TSC1). Identifiers: Orphanet 805, MedGen C1854465, MONDO:0008612, OMIM 191100.

Submission:

Labcorp Genetics (formerly Invitae), Labcorp
Classification: Uncertain significance for Tuberous sclerosis 1. Last evaluated: 2022-04-20. Review status: criteria provided, single submitter. Criteria: Invitae Variant Classification Sherloc (09022015). Collection method: clinical testing. Allele origin: germline.
Comment: This variant has not been reported in the literature in individuals affected with TSC1-related conditions. Experimental studies and prediction algorithms are not available or were not evaluated, and the functional significance of this variant is currently unknown. In summary, the available evidence is currently insufficient to determine the role of this variant in disease. Therefore, it has been classified as a Variant of Uncertain Significance. This variant is not present in population databases (gnomAD no frequency). This sequence change creates a premature translational stop signal (p.Met1067Glyfs*31) in the TSC1 gene. While this is not anticipated to result in nonsense mediated decay, it is expected to disrupt the last 98 amino acid(s) of the TSC1 protein.

NM_000368.5(TSC1):c.3199_3200del (p.Met1067fs)

Gene: TSC1 (TSC complex subunit 1; minus strand). Cytogenetic location: 9q34.13.
Variant type: Deletion.
Coding change: c.3199_3200del on transcript NM_000368.5 (MANE Select); coding-DNA positions 3199 to 3200, 2 bases deleted (AT; older notation c.3199_3200delAT).
Protein change: p.Met1067fs; shifts the reading frame from methionine 1067.
Molecular consequence: frameshift variant.
Genome position (GRCh38, 1-based): chr9:132,896,530-132,896,531, AT deleted on the plus strand (AT on the coding strand, the reverse complement: TSC1 is on the minus strand); deleting any 2 consecutive bases within chr9:132,896,530-132,896,532 gives the same sequence; the c. name uses the placement nearest the transcript's 3' end. VCF-style (leftmost placement, unchanged base first): chr9-132896529-CAT-C. GRCh37 (hg19) VCF-style: chr9-135771916-CAT-C.
Other names: c.3196_3197del, p.Met1066fs (NM_001162426.2); c.3046_3047del, p.Met1016fs (NM_001162427.2); c.2836_2837del, p.Met946fs (NM_001362177.2); short protein forms M1066fs, M946fs, M1016fs, M1067fs.
Identifiers: ClinVar variation 1409311 (VCV001409311.6), dbSNP rs2131602023, ClinGen allele CA2573144357.